The following is an entry in ClinVar:

ClinVar aggregate classification (germline): Uncertain significance (1 of 4 stars; one submission).

Conditions:
Charcot-Marie-Tooth disease axonal type 2P. Also called: Charcot-Marie-Tooth Neuropathy Type 2G; CHARCOT-MARIE-TOOTH NEUROPATHY, TYPE 2P; CHARCOT-MARIE-TOOTH DISEASE, AXONAL, TYPE 2G; CMT 2G. Identifiers: Orphanet 300319, Orphanet 99941, MedGen C3280797, MONDO:0013753, OMIM 614436.

Submission:

Labcorp Genetics (formerly Invitae), Labcorp
Classification: Uncertain significance for Charcot-Marie-Tooth disease axonal type 2P. Last evaluated: 2021-10-19. Review status: criteria provided, single submitter. Criteria: Invitae Variant Classification Sherloc (09022015). Collection method: clinical testing. Allele origin: germline.
Comment: This sequence change replaces arginine with serine at codon 472 of the LRSAM1 protein (p.Arg472Ser). The arginine residue is highly conserved and there is a moderate physicochemical difference between arginine and serine. This variant is not present in population databases (ExAC no frequency). This variant has not been reported in the literature in individuals affected with LRSAM1-related conditions. Algorithms developed to predict the effect of missense changes on protein structure and function (SIFT, PolyPhen-2, Align-GVGD) all suggest that this variant is likely to be disruptive. In summary, the available evidence is currently insufficient to determine the role of this variant in disease. Therefore, it has been classified as a Variant of Uncertain Significance.

NM_001005373.4(LRSAM1):c.1416G>C (p.Arg472Ser)

Gene: LRSAM1 (leucine rich repeat and sterile alpha motif containing 1; plus strand). Cytogenetic location: 9q33.3.
Variant type: single nucleotide variant.
Coding change: c.1416G>C on transcript NM_001005373.4 (MANE Select); coding-DNA position 1416, G replaced by C.
Protein change: p.Arg472Ser; replaces arginine 472 with serine.
Molecular consequence: missense variant. On other transcripts: non-coding transcript variant (2).
Genome position (GRCh38, 1-based): chr9:127,489,512, G>C. VCF-style: chr9-127489512-G-C. GRCh37 (hg19) VCF-style: chr9-130251791-G-C.
Other names: c.1416G>C, p.Arg472Ser (NM_001005374.4, NM_001190723.3, NM_001384142.1 and 2 more transcripts); c.627G>C, p.Arg209Ser (NM_001384144.1); short protein forms R209S, R472S.
Identifiers: ClinVar variation 1345579 (VCV001345579.6), dbSNP rs2132092071, ClinGen allele CA374933361.